The following is an entry in ClinVar:

NM_001854.4(COL11A1):c.556A>G (p.Thr186Ala)

Gene: COL11A1 (collagen type XI alpha 1 chain; minus strand). Cytogenetic location: 1p21.1.
Variant type: single nucleotide variant.
Coding change: c.556A>G on transcript NM_001854.4 (MANE Select); coding-DNA position 556, A replaced by G.
Protein change: p.Thr186Ala; replaces threonine 186 with alanine.
Molecular consequence: missense variant. On other transcripts: non-coding transcript variant (1).
Genome position (GRCh38, 1-based): chr1:103,074,713, T>C on the plus strand (A>G on the coding strand, the complement: COL11A1 is on the minus strand). VCF-style: chr1-103074713-T-C. GRCh37 (hg19) VCF-style: chr1-103540269-T-C.
Other names: c.556A>G, p.Thr186Ala (NM_001190709.2, NM_080629.3, NM_080630.4); short protein forms T186A.
Identifiers: ClinVar variation 1473939 (VCV001473939.6), dbSNP rs2102281711, ClinGen allele CA341166382.

ClinVar aggregate classification (germline): Uncertain significance (1 of 4 stars; one submission).

Submission:

Labcorp Genetics (formerly Invitae), Labcorp
Classification: Uncertain significance. Last evaluated: 2022-06-28. Review status: criteria provided, single submitter. Criteria: Invitae Variant Classification Sherloc (09022015). Collection method: clinical testing. Allele origin: germline.
Comment: In summary, the available evidence is currently insufficient to determine the role of this variant in disease. Therefore, it has been classified as a Variant of Uncertain Significance. Advanced modeling of protein sequence and biophysical properties (such as structural, functional, and spatial information, amino acid conservation, physicochemical variation, residue mobility, and thermodynamic stability) performed at Invitae indicates that this missense variant is not expected to disrupt COL11A1 protein function. This variant has not been reported in the literature in individuals affected with COL11A1-related conditions. This variant is not present in population databases (gnomAD no frequency). This sequence change replaces threonine, which is neutral and polar, with alanine, which is neutral and non-polar, at codon 186 of the COL11A1 protein (p.Thr186Ala).